The following is an entry in ClinVar:

ClinVar aggregate classification (germline): Uncertain significance (1 of 4 stars; one submission).

Conditions:
Inborn genetic diseases. Identifiers: MedGen C0950123, MeSH D030342.

Allele frequency attached by ClinVar (database versions not stated): ExAC 0.00004.
gnomAD v4.1: 7 of 1,600,992 alleles (0.00044%); highest among the groups gnomAD compares: South Asian, 0.0023%; no homozygotes.

Submission:

Ambry Genetics
Classification: Uncertain significance for Inborn genetic diseases. Last evaluated: 2022-12-14. Review status: criteria provided, single submitter. Criteria: Ambry Variant Classification Scheme 2023. Collection method: clinical testing. Allele origin: germline.
Comment: The c.14193+4T>C intronic alteration consists of a T to C substitution nucleotides after coding exon 78 in the DST gene. Based on insufficient or conflicting evidence, the clinical significance of this alteration remains unclear.

NM_001374736.1(DST):c.20550+4T>C

Gene: DST (dystonin; minus strand). Cytogenetic location: 6p12.1.
Variant type: single nucleotide variant.
Coding change: c.20550+4T>C on transcript NM_001374736.1 (MANE Select); 4 bases into the intron after coding-DNA position 20550, T replaced by C.
Molecular consequence: intron variant.
Genome position (GRCh38, 1-based): chr6:56,492,930, A>G on the plus strand (T>C on the coding strand, the complement: DST is on the minus strand). VCF-style: chr6-56492930-A-G. GRCh37 (hg19) VCF-style: chr6-56357728-A-G.
Other names: c.14193+4T>C (NM_001144769.5); c.20550+4T>C (NM_001374722.1); c.20577+4T>C (NM_001374734.1); c.13779+4T>C (NM_001144770.2); c.13332+4T>C (NM_001374730.1); c.13659+4T>C (NM_001386100.1, NM_183380.4); c.19590+4T>C (NM_001374729.1); c.12681+4T>C (NM_015548.5).
Identifiers: ClinVar variation 2331972 (VCV002331972.2), dbSNP rs780262589, ClinGen allele CA3866727.